The following is an entry in ClinVar:

NM_016222.4(DDX41):c.1354del (p.Leu452fs)

Gene: DDX41 (DEAD-box helicase 41; minus strand). Cytogenetic location: 5q35.3.
Variant type: Deletion.
Coding change: c.1354del on transcript NM_016222.4 (MANE Select); coding-DNA position 1354, one base deleted (C; older notation c.1354delC).
Protein change: p.Leu452fs; shifts the reading frame from leucine 452.
Molecular consequence: frameshift variant.
Genome position (GRCh38, 1-based): chr5:177,512,825, G deleted on the plus strand (C on the coding strand, the reverse complement: DDX41 is on the minus strand); the first of 2 consecutive G bases (chr5:177,512,825-177,512,826); deleting either gives the same sequence. VCF-style (leftmost placement, unchanged base first): chr5-177512824-AG-A. GRCh37 (hg19) VCF-style: chr5-176939825-AG-A.
Other names: c.976del, p.Leu326fs (NM_001321732.2, NM_001321830.2); c.1354del (NM_016222.2); short protein forms L326fs, L452fs.
Identifiers: ClinVar variation 2443108 (VCV002443108.4), dbSNP rs2532076691, ClinGen allele CA2578499164.
Genomic context (GRCh38, chr5:177,512,824, plus strand): 5'-CTTGCACCACCCTGACCTTTGCCCCCATGGATGGCTACGGCCTCAACCCCCTTGAGCAGC[AG>A]GTACTCGTGGATGGCGTCCACGTCTGCCTTCTTCTCTGCAAAGATGAGTACCTGTCCGGA-3'

ClinVar aggregate classification (germline): Likely pathogenic. Review status: criteria provided, multiple submitters, no conflicts (2 of 4 stars). 3 submissions from 3 submitters: Likely pathogenic (2). 1 of the submissions does not count toward it. Last evaluated 2026-04-21.

Conditions:
DDX41-related hematologic malignancy predisposition syndrome. Also called: Myeloproliferative/lymphoproliferative neoplasms, familial (multiple types), susceptibility to; DDX41-Associated Familial Myelodysplastic Syndrome and Acute Myeloid Leukemia. Identifiers: Orphanet 488647, MedGen C4225174, MONDO:0014809, OMIM 616871.

Submissions (3):

GeneDx
Classification: Likely pathogenic. Last evaluated: 2026-04-21. Review status: criteria provided, single submitter. Criteria: GeneDx Variant Classification Process June 2021. Collection method: clinical testing. Allele origin: germline.
Comment: Reported as a presumed germline variant along with a second somatic variant in the DDX41 gene in a patient with pancytopenia in the published literature; however, segregation and detailed patient specific clinical history was not provided (PMID: 35671390); Identified in one individual in a UK Biobank study; however, no clinical information was provided (PMID: 37506341); Frameshift variant predicted to result in protein truncation or nonsense mediated decay in a gene for which loss of function is a known mechanism of disease; Not observed at significant frequency in large population cohorts (gnomAD); This variant is associated with the following publications: (PMID: 37506341, 35671390)

Baylor Genetics
Classification: Likely pathogenic for DDX41-related hematologic malignancy predisposition syndrome. Last evaluated: 2024-03-24. Review status: criteria provided, single submitter. Criteria: ACMG Guidelines, 2015. Collection method: clinical testing. Allele origin: unknown.

Genetic Services Laboratory, University of Chicago
Classification: Likely pathogenic. Last evaluated: 2022-03-15. Review status: no assertion criteria provided. Collection method: clinical testing. Allele origin: germline. Affected: yes. Not counted in ClinVar's aggregate classification.
Comment: DNA sequence analysis of the DDX41 gene demonstrated a single base pair deletion in exon 13, c.1354del. This sequence change results in an amino acid frameshift and creates a premature stop codon nine amino acids downstream of the change, p.Leu452Cysfs*9. This sequence change is predicted to result in an abnormal transcript, which may be degraded, or may lead to the production of a truncated DDX41 protein with potentially abnormal function. The c.1354del sequence change has not been described in the population databases such as ExAC and gnomAD. While this sequence change has not previously been described in the literature, other deletions and downstream truncating variants in the DDX41 gene have been described in individuals with DDX41-related disorders. This sequence change is the most likely cause of this individual's phenotype, however functional studies have not been performed to prove this conclusively.